The following is an entry in ClinVar:

ClinVar aggregate classification (germline): Pathogenic. Review status: criteria provided, multiple submitters, no conflicts (2 of 4 stars). 2 submissions from 2 submitters: Pathogenic (2). Last evaluated 2025-07-27.

Conditions:
Exostoses, multiple, type 2 (EXT2). Also called: EXOSTOSES, MULTIPLE, TYPE II; Hereditary Multiple Osteochondromatosis, Type II. Identifiers: Orphanet 321, MedGen C1851413, MONDO:0007586, OMIM 133701.

Submissions (2):

Labcorp Genetics (formerly Invitae), Labcorp
Classification: Pathogenic for Exostoses, multiple, type 2. Last evaluated: 2025-07-27. Review status: criteria provided, single submitter. Criteria: Invitae Variant Classification Sherloc (09022015). Collection method: clinical testing. Allele origin: germline.
Comment: This sequence change creates a premature translational stop signal (p.Gln401*) in the EXT2 gene. It is expected to result in an absent or disrupted protein product. Loss-of-function variants in EXT2 are known to be pathogenic (PMID: 10679937, 19810120). This variant is not present in population databases (gnomAD no frequency). This premature translational stop signal has been observed in individual(s) with multiple exostoses (PMID: 9326317). ClinVar contains an entry for this variant (Variation ID: 1803220). For these reasons, this variant has been classified as Pathogenic.

Genetics and Molecular Pathology, SA Pathology
Classification: Pathogenic for Exostoses, multiple, type 2. Last evaluated: 2021-10-18. Review status: criteria provided, single submitter. Criteria: ACMG Guidelines, 2015. Collection method: clinical testing. Allele origin: germline. Inheritance: Autosomal dominant inheritance. Affected: yes.
Comment: The EXT2 c.1201C>T variant is classified as a PATHOGENIC variant (PVS1, PM2, PP4) This variant is a single nucleotide change from a cytosine to a thymine at position 1201 which is predicted to result in premature termination of the protein product at codon 401 (PVS1). The variant is in exon 8/14 of the EXT2 gene. The variant has been previously reported as a de novo mutation in a patient with Heriditary multiple exostoses (PMID: 9326317). This variant has not been reported in dbSNP and is absent from population databases (PM2). This variant has not been reported in ClinVar, but it is presented in HGMD as a disease causing variant (Accession: CM970454). The clinical features of this patient are highly specific for the EXT2 gene (PP4).

Literature cited by the submitters: PubMed 10679937 (cited by Labcorp Genetics (formerly Invitae), Labcorp); PubMed 19810120 (cited by Labcorp Genetics (formerly Invitae), Labcorp); PubMed 9326317 (cited by Labcorp Genetics (formerly Invitae), Labcorp and Genetics and Molecular Pathology, SA Pathology).

NM_207122.2(EXT2):c.1201C>T (p.Gln401Ter)

Gene: EXT2 (exostosin glycosyltransferase 2; plus strand). Cytogenetic location: 11p11.2.
Variant type: single nucleotide variant.
Coding change: c.1201C>T on transcript NM_207122.2 (MANE Select); coding-DNA position 1201, C replaced by T.
Protein change: p.Gln401Ter; replaces glutamine 401 with a stop codon.
Molecular consequence: nonsense. On other transcripts: intron variant (1).
Genome position (GRCh38, 1-based): chr11:44,171,638, C>T. VCF-style: chr11-44171638-C-T. GRCh37 (hg19) VCF-style: chr11-44193188-C-T.
Other names: c.1267-36C>T (NM_001178083.3); c.1300C>T, p.Gln434Ter (NM_000401.3); c.1201C>T, p.Gln401Ter (NM_001389628.1, NM_001389630.1); short protein forms Q401*, Q434*.
Identifiers: ClinVar variation 1803220 (VCV001803220.2), dbSNP rs2135127706, ClinGen allele CA380175187.
Genomic context (GRCh38, chr11:44,171,638, plus strand): 5'-TGCTCACTTAAAACAGCATTATTTTCTTTATAGGCCCGGTGGTTCTGGGAAGCGTACTTC[C>T]AGTCAATTAAAGCCATTGCCCTGGCCACCCTGCAGATTATCAATGACCGGATCTATCCAT-3'